The following is an entry in ClinVar:

NM_005548.3(KARS1):c.1313G>A (p.Arg438Gln)

Gene: KARS1 (lysyl-tRNA synthetase 1; minus strand). Cytogenetic location: 16q23.1.
Variant type: single nucleotide variant.
Coding change: c.1313G>A on transcript NM_005548.3 (MANE Select); coding-DNA position 1313, G replaced by A.
Protein change: p.Arg438Gln; replaces arginine 438 with glutamine.
Molecular consequence: missense variant.
Genome position (GRCh38, 1-based): chr16:75,631,193, C>T on the plus strand (G>A on the coding strand, the complement: KARS1 is on the minus strand). VCF-style: chr16-75631193-C-T. GRCh37 (hg19) VCF-style: chr16-75665091-C-T.
Other names: p.Arg466Gln; c.1397G>A, p.Arg466Gln (NM_001130089.2); c.845G>A, p.Arg282Gln (NM_001378148.1); c.1397G>A (NM_001130089.1); short protein forms R282Q, R438Q, R466Q.
Identifiers: ClinVar variation 1682416 (VCV001682416.4), dbSNP rs964516917, ClinGen allele CA284320702.

ClinVar aggregate classification (germline): Uncertain significance. Review status: criteria provided, multiple submitters, no conflicts (2 of 4 stars). 2 submissions from 2 submitters: Uncertain significance (2). Last evaluated 2022-03-18.

Allele frequency attached by ClinVar (database versions not stated): gnomAD exomes below 0.00001 and 0.00001; TOPMed 0.00001.
gnomAD v4.1: 5 of 1,613,900 alleles (0.00031%); highest among the groups gnomAD compares: Admixed American, 0.0033%; no homozygotes.

Submissions (2):

Labcorp Genetics (formerly Invitae), Labcorp
Classification: Uncertain significance. Last evaluated: 2022-03-18. Review status: criteria provided, single submitter. Criteria: Invitae Variant Classification Sherloc (09022015). Collection method: clinical testing. Allele origin: germline.
Comment: This sequence change replaces arginine, which is basic and polar, with glutamine, which is neutral and polar, at codon 466 of the KARS protein (p.Arg466Gln). This variant is present in population databases (no rsID available, gnomAD 0.006%). This variant has not been reported in the literature in individuals affected with KARS-related conditions. Algorithms developed to predict the effect of missense changes on protein structure and function are either unavailable or do not agree on the potential impact of this missense change (SIFT: "Tolerated"; PolyPhen-2: "Possibly Damaging"; Align-GVGD: "Class C0"). Algorithms developed to predict the effect of sequence changes on RNA splicing suggest that this variant may create or strengthen a splice site. In summary, the available evidence is currently insufficient to determine the role of this variant in disease. Therefore, it has been classified as a Variant of Uncertain Significance.

Mayo Clinic Laboratories, Mayo Clinic
Classification: Uncertain significance. Last evaluated: 2021-09-10. Review status: criteria provided, single submitter. Criteria: ACMG Guidelines, 2015. Collection method: clinical testing. Allele origin: germline.